The following is an entry in ClinVar:

NM_004092.4(ECHS1):c.22C>T (p.Leu8=)

Genes: ECHS1 (enoyl-CoA hydratase, short chain 1; minus strand), LOC130005023 (ATAC-STARR-seq lymphoblastoid silent region 2977; plus strand). Cytogenetic location: 10q26.3.
Variant type: single nucleotide variant.
Coding change: c.22C>T on transcript NM_004092.4 (MANE Select); coding-DNA position 22, C replaced by T.
Protein change: p.Leu8=; no amino-acid change (leucine 8 retained).
Molecular consequence: synonymous variant.
Genome position (GRCh38, 1-based): chr10:133,373,312, G>A on the plus strand (C>T on the coding strand, the complement: ECHS1 is on the minus strand). VCF-style: chr10-133373312-G-A. GRCh37 (hg19) VCF-style: chr10-135186816-G-A.
Identifiers: ClinVar variation 2500448 (VCV002500448.4), dbSNP rs1478946630, ClinGen allele CA472230260.

ClinVar aggregate classification (germline): Conflicting classifications of pathogenicity. Review status: criteria provided, conflicting classifications (1 of 4 stars). 2 submissions from 2 submitters: Uncertain significance (1); Likely benign (1). Last evaluated 2025-01-25.

Allele frequency attached by ClinVar (database versions not stated): TOPMed below 0.00001; gnomAD 0.00001.

Submissions (2):

Labcorp Genetics (formerly Invitae), Labcorp
Classification: Likely benign. Last evaluated: 2025-01-25. Review status: criteria provided, single submitter. Criteria: Invitae Variant Classification Sherloc (09022015). Collection method: clinical testing. Allele origin: germline.

GeneDx
Classification: Uncertain significance. Last evaluated: 2023-04-26. Review status: criteria provided, single submitter. Criteria: GeneDx Variant Classification Process June 2021. Collection method: clinical testing. Allele origin: germline. Affected: yes.
Comment: Not observed at significant frequency in large population cohorts (gnomAD); In silico analysis supports that this variant does not alter splicing; Has not been previously published as pathogenic or benign to our knowledge